The following is an entry in ClinVar:

NM_001367624.2(ZNF469):c.3002C>T (p.Ala1001Val)

Gene: ZNF469 (zinc finger protein 469; plus strand). Cytogenetic location: 16q24.2.
Variant type: single nucleotide variant.
Coding change: c.3002C>T on transcript NM_001367624.2 (MANE Select); coding-DNA position 3002, C replaced by T.
Protein change: p.Ala1001Val; replaces alanine 1001 with valine.
Molecular consequence: missense variant.
Genome position (GRCh38, 1-based): chr16:88,430,472, C>T. VCF-style: chr16-88430472-C-T. GRCh37 (hg19) VCF-style: chr16-88496880-C-T.
Other names: NM_001127464.1:c.3002C>T; short protein forms A1001V.
Identifiers: ClinVar variation 1300407 (VCV001300407.10), dbSNP rs1045848516, ClinGen allele CA397076737.

ClinVar aggregate classification (germline): Uncertain significance. Review status: criteria provided, multiple submitters, no conflicts (2 of 4 stars). 3 submissions from 3 submitters: Uncertain significance (3). Last evaluated 2023-08-28.

Conditions:
Cardiovascular phenotype. Identifiers: MedGen CN230736.

gnomAD v4.1: 17 of 1,442,568 alleles (0.0012%); highest among the groups gnomAD compares: Non-Finnish European, 0.0014%; no homozygotes.

Submissions (3):

GeneDx
Classification: Uncertain significance. Last evaluated: 2023-08-28. Review status: criteria provided, single submitter. Criteria: GeneDx Variant Classification Process June 2021. Collection method: clinical testing. Allele origin: germline. Affected: yes.
Comment: Has not been previously published as pathogenic or benign to our knowledge; Not observed at significant frequency in large population cohorts (gnomAD); In silico analysis supports that this missense variant does not alter protein structure/function

Labcorp Genetics (formerly Invitae), Labcorp
Classification: Uncertain significance. Last evaluated: 2022-08-08. Review status: criteria provided, single submitter. Criteria: Invitae Variant Classification Sherloc (09022015). Collection method: clinical testing. Allele origin: germline.
Comment: This sequence change replaces alanine, which is neutral and non-polar, with valine, which is neutral and non-polar, at codon 1001 of the ZNF469 protein (p.Ala1001Val). The frequency data for this variant in the population databases is considered unreliable, as metrics indicate poor data quality at this position in the gnomAD database. This variant has not been reported in the literature in individuals affected with ZNF469-related conditions. ClinVar contains an entry for this variant (Variation ID: 1300407). Algorithms developed to predict the effect of missense changes on protein structure and function (SIFT, PolyPhen-2, Align-GVGD) all suggest that this variant is likely to be tolerated. Algorithms developed to predict the effect of sequence changes on RNA splicing suggest that this variant may create or strengthen a splice site. In summary, the available evidence is currently insufficient to determine the role of this variant in disease. Therefore, it has been classified as a Variant of Uncertain Significance.

Ambry Genetics
Classification: Uncertain significance for Cardiovascular phenotype. Last evaluated: 2022-03-03. Review status: criteria provided, single submitter. Criteria: Ambry Variant Classification Scheme 2023. Collection method: clinical testing. Allele origin: germline.
Comment: The p.A1001V variant (also known as c.3002C>T), located in coding exon 1 of the ZNF469 gene, results from a C to T substitution at nucleotide position 3002. The alanine at codon 1001 is replaced by valine, an amino acid with similar properties. This amino acid position is conserved. In addition, this alteration is predicted to be tolerated by in silico analysis. Since supporting evidence is limited at this time, the clinical significance of this alteration remains unclear.